The following is an entry in ClinVar:

ClinVar aggregate classification (germline): Likely benign. Review status: criteria provided, multiple submitters, no conflicts (2 of 4 stars). 4 submissions from 4 submitters: Likely benign (4). Last evaluated 2025-12-11.

Conditions:
Mitochondrial DNA depletion syndrome, encephalomyopathic form with methylmalonic aciduria (MTDPS5). Also called: SUCLA2-Related Mitochondrial DNA Depletion Syndrome, Encephalomyopathic Form with Methylmalonic Aciduria; Mitochondrial encephalomyopathy aminoacidopathy; MITOCHONDRIAL DNA DEPLETION SYNDROME, ENCEPHALOMYOPATHIC FORM, WITH OR WITHOUT METHYLMALONIC ACIDURIA, AUTOSOMAL RECESSIVE, SUCLA2-RELATED; Mitochondrial DNA depletion syndrome 5 (encephalomyopathic with or without methylmalonic aciduria). Identifiers: Orphanet 1933, MedGen C5980207, MONDO:0012791, OMIM 612073.

Allele frequency attached by ClinVar (database versions not stated): ExAC 0.00004; gnomAD exomes 0.00008; gnomAD 0.00013; TOPMed 0.00013; ESP Exome Variant Server 0.00015; 1000 Genomes Project 30x 0.00016; 1000 Genomes Project 0.00020.
gnomAD v4.1: 288 of 1,613,798 alleles (0.018%); highest among the groups gnomAD compares: Middle Eastern, 0.033%; 1 homozygote.

Submissions (4):

Labcorp Genetics (formerly Invitae), Labcorp
Classification: Likely benign for Mitochondrial DNA depletion syndrome, encephalomyopathic form with methylmalonic aciduria. Last evaluated: 2025-12-11. Review status: criteria provided, single submitter. Criteria: Invitae Variant Classification Sherloc (09022015). Collection method: clinical testing. Allele origin: germline.

Mayo Clinic Laboratories, Mayo Clinic
Classification: Likely benign. Last evaluated: 2025-08-07. Review status: criteria provided, single submitter. Criteria: ACMG Guidelines, 2015. Collection method: clinical testing. Allele origin: germline. Observed: 1 variant allele.
Comment: BP4, BP7

CeGaT Center for Human Genetics Tuebingen
Classification: Likely benign. Last evaluated: 2024-06-01. Review status: criteria provided, single submitter. Criteria: CeGaT Center For Human Genetics Tuebingen Variant Classification Criteria Version 2. Collection method: clinical testing. Allele origin: germline. Affected: yes. Observed: 2 variant alleles.
Comment: SUCLA2: BP4, BP7

Blueprint Genetics
Classification: Likely benign. Last evaluated: 2024-05-20. Review status: criteria provided, single submitter. Criteria: ACMG Guidelines, 2015. Collection method: clinical testing. Allele origin: germline.

NM_003850.3(SUCLA2):c.1248T>C (p.Ala416=)

Gene: SUCLA2 (succinate-CoA ligase ADP-forming subunit beta; minus strand). Cytogenetic location: 13q14.2.
Variant type: single nucleotide variant.
Coding change: c.1248T>C on transcript NM_003850.3 (MANE Select); coding-DNA position 1248, T replaced by C.
Protein change: p.Ala416=; no amino-acid change (alanine 416 retained).
Molecular consequence: synonymous variant.
Genome position (GRCh38, 1-based): chr13:47,949,009, A>G on the plus strand (T>C on the coding strand, the complement: SUCLA2 is on the minus strand). VCF-style: chr13-47949009-A-G. GRCh37 (hg19) VCF-style: chr13-48523144-A-G.
Other names: p.Ala416=; c.1248T>C (NM_003850.2).
Identifiers: ClinVar variation 1528836 (VCV001528836.32), dbSNP rs147829455, ClinGen allele CA6977795.